The following is an entry in ClinVar:

ClinVar aggregate classification (germline): Likely benign (1 of 4 stars; one submission).

gnomAD v4.1: 421 of 1,597,968 alleles (0.026%); highest among the groups gnomAD compares: African/African-American, 0.41%; 33 homozygotes.

Submission:

CeGaT Center for Human Genetics Tuebingen
Classification: Likely benign. Last evaluated: 2025-10-01. Review status: criteria provided, single submitter. Criteria: CeGaT Center For Human Genetics Tuebingen Variant Classification Criteria Version 2. Collection method: clinical testing. Allele origin: germline. Affected: yes. Observed: 1 variant allele.
Comment: PRAMEF2: BP4, BP7, BS2

NM_023014.1(PRAMEF2):c.1056G>A (p.Glu352=)

Gene: PRAMEF2 (PRAME family member 2; plus strand). Cytogenetic location: 1p36.21.
Variant type: single nucleotide variant.
Coding change: c.1056G>A on transcript NM_023014.1 (MANE Select); coding-DNA position 1056, G replaced by A.
Protein change: p.Glu352=; no amino-acid change (glutamic acid 352 retained).
Molecular consequence: synonymous variant.
Genome position (GRCh38, 1-based): chr1:12,861,410, G>A. VCF-style: chr1-12861410-G-A. GRCh37 (hg19) VCF-style: chr1-12921265-G-A.
Identifiers: ClinVar variation 4533943 (VCV004533943.6).